The following is an entry in ClinVar:

ClinVar aggregate classification (germline): Uncertain significance. Review status: criteria provided, multiple submitters, no conflicts (2 of 4 stars). 2 submissions from 2 submitters: Uncertain significance (2). Last evaluated 2023-12-27.

Conditions:
Tuberous sclerosis 1 (TSC1). Identifiers: Orphanet 805, MedGen C1854465, MONDO:0008612, OMIM 191100.

Submissions (2):

Labcorp Genetics (formerly Invitae), Labcorp
Classification: Uncertain significance for Tuberous sclerosis 1. Last evaluated: 2023-12-27. Review status: criteria provided, single submitter. Criteria: Invitae Variant Classification Sherloc (09022015). Collection method: clinical testing. Allele origin: germline.
Comment: This sequence change replaces serine, which is neutral and polar, with glycine, which is neutral and non-polar, at codon 1111 of the TSC1 protein (p.Ser1111Gly). This variant is not present in population databases (gnomAD no frequency). This variant has not been reported in the literature in individuals affected with TSC1-related conditions. Advanced modeling of protein sequence and biophysical properties (such as structural, functional, and spatial information, amino acid conservation, physicochemical variation, residue mobility, and thermodynamic stability) performed at Invitae indicates that this missense variant is not expected to disrupt TSC1 protein function with a negative predictive value of 95%. In summary, the available evidence is currently insufficient to determine the role of this variant in disease. Therefore, it has been classified as a Variant of Uncertain Significance.

Blueprint Genetics
Classification: Uncertain significance. Last evaluated: 2020-02-19. Review status: criteria provided, single submitter. Criteria: ACMG Guidelines, 2015. Collection method: clinical testing. Allele origin: germline.

NM_000368.5(TSC1):c.3331A>G (p.Ser1111Gly)

Gene: TSC1 (TSC complex subunit 1; minus strand). Cytogenetic location: 9q34.13.
Variant type: single nucleotide variant.
Coding change: c.3331A>G on transcript NM_000368.5 (MANE Select); coding-DNA position 3331, A replaced by G.
Protein change: p.Ser1111Gly; replaces serine 1111 with glycine.
Molecular consequence: missense variant. On other transcripts: non-coding transcript variant (5).
Genome position (GRCh38, 1-based): chr9:132,896,399, T>C on the plus strand (A>G on the coding strand, the complement: TSC1 is on the minus strand). VCF-style: chr9-132896399-T-C. GRCh37 (hg19) VCF-style: chr9-135771786-T-C.
Other names: c.3328A>G, p.Ser1110Gly (NM_001162426.2, NM_001406597.1, NM_001406598.1 and 2 more transcripts); c.3178A>G, p.Ser1060Gly (NM_001162427.2, NM_001406610.1); c.2968A>G, p.Ser990Gly (NM_001362177.2, NM_001406614.1, NM_001406615.1 and 4 more transcripts); c.3331A>G, p.Ser1111Gly (NM_001406592.1, NM_001406593.1, NM_001406594.1 and 2 more transcripts); c.3316A>G, p.Ser1106Gly (NM_001406601.1, NM_001406602.1); c.3313A>G, p.Ser1105Gly (NM_001406603.1, NM_001406604.1); c.3289A>G, p.Ser1097Gly (NM_001406605.1, NM_001406606.1, NM_001406607.1); c.3286A>G, p.Ser1096Gly (NM_001406608.1, NM_001406609.1); and 8 more; short protein forms S1045G, S1060G, S1097G, S1106G, S1110G, S989G, S990G, S1096G.
Identifiers: ClinVar variation 2705983 (VCV002705983.4), dbSNP rs2538432586, ClinGen allele CA375366600.